The following is an entry in ClinVar:

ClinVar aggregate classification (germline): Uncertain significance (1 of 4 stars; one submission).

Conditions:
Inborn genetic diseases. Identifiers: MedGen C0950123, MeSH D030342.

Submission:

Ambry Genetics
Classification: Uncertain significance for Inborn genetic diseases. Last evaluated: 2026-07-07. Review status: criteria provided, single submitter. Criteria: Ambry Variant Classification Scheme 2023. Collection method: clinical testing. Allele origin: germline.
Comment: The p.H152Q variant (also known as c.456T>G), located in coding exon 4 of the ETV6 gene, results from a T to G substitution at nucleotide position 456. The histidine at codon 152 is replaced by glutamine, an amino acid with highly similar properties. This amino acid position is conserved. In addition, this alteration is predicted to be tolerated by in silico analysis. Based on the available evidence, the clinical significance of this variant remains unclear.

NM_001987.5(ETV6):c.456T>G (p.His152Gln)

Gene: ETV6 (ETS variant transcription factor 6; plus strand). Cytogenetic location: 12p13.2.
Variant type: single nucleotide variant.
Coding change: c.456T>G on transcript NM_001987.5 (MANE Select); coding-DNA position 456, T replaced by G.
Protein change: p.His152Gln; replaces histidine 152 with glutamine.
Molecular consequence: missense variant.
Genome position (GRCh38, 1-based): chr12:11,853,554, T>G. VCF-style: chr12-11853554-T-G. GRCh37 (hg19) VCF-style: chr12-12006488-T-G.
Other names: c.453T>G, p.His151Gln (NM_001413913.1); c.429T>G, p.His143Gln (NM_001413914.1); c.192T>G, p.His64Gln (NM_001413915.1); c.456T>G, p.His152Gln (NM_001413916.1, NM_001413917.1); short protein forms H143Q, H152Q, H64Q, H151Q.
Identifiers: ClinVar variation 5036201 (VCV005036201.1).